The following is an entry in ClinVar:

ClinVar aggregate classification (germline): Likely benign. Review status: criteria provided, multiple submitters, no conflicts (2 of 4 stars). 3 submissions from 3 submitters: Likely benign (3). Last evaluated 2024-06-09.

Conditions:
Familial thoracic aortic aneurysm and aortic dissection (TAAD). Also called: Thoracic aortic aneurysms and dissections. Identifiers: Orphanet 91387, MedGen C4707243, MONDO:0019625.
Aortic aneurysm, familial thoracic 4 (AAT4). Also called: AORTIC ANEURYSM/AORTIC DISSECTION AND PATENT DUCTUS ARTERIOSUS. Identifiers: MedGen C1851504, MONDO:0007568, OMIM 132900.

gnomAD v4.1: 1 of 1,614,154 alleles (0.000062%); highest among the groups gnomAD compares: Non-Finnish European, 0.000085%; no homozygotes.

Submissions (3):

Ambry Genetics
Classification: Likely benign for Familial thoracic aortic aneurysm and aortic dissection. Last evaluated: 2024-06-09. Review status: criteria provided, single submitter. Criteria: Ambry Variant Classification Scheme 2023. Collection method: clinical testing. Allele origin: germline.

All of Us Research Program, National Institutes of Health
Classification: Likely benign for Familial thoracic aortic aneurysm and aortic dissection. Last evaluated: 2023-10-02. Review status: criteria provided, single submitter. Criteria: ACMG Guidelines, 2015. Collection method: clinical testing. Allele origin: germline. Inheritance: Autosomal dominant inheritance. Observed: 1 variant allele, 1 heterozygote.
Comment: This study involves interpretation of variants in research participants for the purpose of population health screening. Participant phenotype was not available at the time of variant classification. Additional details can be found in publication PMID: 35346344, PMCID: PMC8962531

Labcorp Genetics (formerly Invitae), Labcorp
Classification: Likely benign for Aortic aneurysm, familial thoracic 4. Last evaluated: 2023-02-14. Review status: criteria provided, single submitter. Criteria: Invitae Variant Classification Sherloc (09022015). Collection method: clinical testing. Allele origin: germline.

NM_002474.3(MYH11):c.918C>T (p.Asn306=)

Gene: MYH11 (myosin heavy chain 11; minus strand). Cytogenetic location: 16p13.11.
Variant type: single nucleotide variant.
Coding change: c.918C>T on transcript NM_002474.3 (MANE Select); coding-DNA position 918, C replaced by T.
Protein change: p.Asn306=; no amino-acid change (asparagine 306 retained).
Molecular consequence: synonymous variant.
Genome position (GRCh38, 1-based): chr16:15,771,684, G>A on the plus strand (C>T on the coding strand, the complement: MYH11 is on the minus strand). VCF-style: chr16-15771684-G-A. GRCh37 (hg19) VCF-style: chr16-15865541-G-A.
Other names: c.918C>T (NM_002474.2); c.939C>T, p.Asn313= (NM_001040113.2, NM_001040114.2); c.918C>T, p.Asn306= (NM_022844.3).
Identifiers: ClinVar variation 1559479 (VCV001559479.10), dbSNP rs2151291413, ClinGen allele CA493772963.